The following is an entry in ClinVar:

ClinVar aggregate classification (germline): Uncertain significance (1 of 4 stars; one submission).

Allele frequency attached by ClinVar (database versions not stated): ExAC 0.00002; 1000 Genomes Project 30x 0.00031; 1000 Genomes Project 0.00040.
gnomAD v4.1: 14 of 1,606,294 alleles (0.00087%); highest among the groups gnomAD compares: East Asian, 0.0022%; no homozygotes.

Submission:

Labcorp Genetics (formerly Invitae), Labcorp
Classification: Uncertain significance. Last evaluated: 2025-02-08. Review status: criteria provided, single submitter. Criteria: Invitae Variant Classification Sherloc (09022015). Collection method: clinical testing. Allele origin: germline.
Comment: This sequence change replaces alanine, which is neutral and non-polar, with valine, which is neutral and non-polar, at codon 1675 of the SNRNP200 protein (p.Ala1675Val). This variant is present in population databases (rs541112526, gnomAD 0.003%). This variant has not been reported in the literature in individuals affected with SNRNP200-related conditions. ClinVar contains an entry for this variant (Variation ID: 1936584). Invitae Evidence Modeling of protein sequence and biophysical properties (such as structural, functional, and spatial information, amino acid conservation, physicochemical variation, residue mobility, and thermodynamic stability) indicates that this missense variant is not expected to disrupt SNRNP200 protein function with a negative predictive value of 95%. In summary, the available evidence is currently insufficient to determine the role of this variant in disease. Therefore, it has been classified as a Variant of Uncertain Significance.

NM_014014.5(SNRNP200):c.5024C>T (p.Ala1675Val)

Gene: SNRNP200 (small nuclear ribonucleoprotein U5 subunit 200; minus strand). Cytogenetic location: 2q11.2.
Variant type: single nucleotide variant.
Coding change: c.5024C>T on transcript NM_014014.5 (MANE Select); coding-DNA position 5024, C replaced by T.
Protein change: p.Ala1675Val; replaces alanine 1675 with valine.
Molecular consequence: missense variant.
Genome position (GRCh38, 1-based): chr2:96,281,814, G>A on the plus strand (C>T on the coding strand, the complement: SNRNP200 is on the minus strand). VCF-style: chr2-96281814-G-A. GRCh37 (hg19) VCF-style: chr2-96947552-G-A.
Other names: short protein forms A1675V.
Identifiers: ClinVar variation 1936584 (VCV001936584.5), dbSNP rs541112526, ClinGen allele CA1778060.